The following is an entry in ClinVar:

NM_052947.4(ALPK2):c.1745A>G (p.Glu582Gly)

Gene: ALPK2 (alpha kinase 2; minus strand). Cytogenetic location: 18q21.31.
Variant type: single nucleotide variant.
Coding change: c.1745A>G on transcript NM_052947.4 (MANE Select); coding-DNA position 1745, A replaced by G.
Protein change: p.Glu582Gly; replaces glutamic acid 582 with glycine.
Molecular consequence: missense variant.
Genome position (GRCh38, 1-based): chr18:58,579,031, T>C on the plus strand (A>G on the coding strand, the complement: ALPK2 is on the minus strand). VCF-style: chr18-58579031-T-C. GRCh37 (hg19) VCF-style: chr18-56246263-T-C.
Other names: short protein forms E582G.
Identifiers: ClinVar variation 3228581 (VCV003228581.1), dbSNP rs2518898622, ClinGen allele CA402560470.
Genomic context (GRCh38, chr18:58,579,031, plus strand): 5'-CATTCTCTTGCATCAGCATGGGAACTCCGACCAGTCGCTGCTGCTGTGGTGTGAGAAGTC[T>C]CTCTTTTATCACTCTGGGTTAGTGGGGGCTCAGCAGATTCTTTGGCAGAGCAGAGATGAA-3'
Protein context (NP_443179.3, residues 572-592): EPPLTQSDKR[Glu582Gly]TSHTTAAATG

ClinVar aggregate classification (germline): Uncertain significance (1 of 4 stars; one submission).

Submission:

Ambry Genetics
Classification: Uncertain significance. Last evaluated: 2024-03-02. Review status: criteria provided, single submitter. Criteria: Ambry Variant Classification Scheme 2023. Collection method: clinical testing. Allele origin: germline.
Comment: The p.E582G variant (also known as c.1745A>G), located in coding exon 3 of the ALPK2 gene, results from an A to G substitution at nucleotide position 1745. The glutamic acid at codon 582 is replaced by glycine, an amino acid with similar properties. This amino acid position is conserved. In addition, this alteration is predicted to be tolerated by in silico analysis. Based on the available evidence, the clinical significance of this alteration remains unclear.